The following is an entry in ClinVar:

ClinVar aggregate classification (germline): Uncertain significance (1 of 4 stars; one submission).

gnomAD v4.1: 1 of 1,612,486 alleles (0.000062%); highest among the groups gnomAD compares: Non-Finnish European, 0.000085%; no homozygotes.

Submission:

CeGaT Center for Human Genetics Tuebingen
Classification: Uncertain significance. Last evaluated: 2022-08-01. Review status: criteria provided, single submitter. Criteria: CeGaT Center For Human Genetics Tuebingen Variant Classification Criteria Version 2. Collection method: clinical testing. Allele origin: germline. Affected: yes. Observed: 1 variant allele.
Comment: TTN: PM2, PVS1:Moderate

NM_001267550.2(TTN):c.11311+5320C>T

Genes: TTN (titin; minus strand), LOC126806432 (CDK7 strongly-dependent group 2 enhancer GRCh37_chr2:179611985-179613184; plus strand). Cytogenetic location: 2q31.2.
Variant type: single nucleotide variant.
Coding change: c.11311+5320C>T on transcript NM_001267550.2 (MANE Select); 5320 bases into the intron after coding-DNA position 11311, C replaced by T.
Molecular consequence: intron variant. On other transcripts: nonsense (1).
Genome position (GRCh38, 1-based): chr2:178,747,804, G>A on the plus strand (C>T on the coding strand, the complement: TTN is on the minus strand). VCF-style: chr2-178747804-G-A. GRCh37 (hg19) VCF-style: chr2-179612531-G-A.
Other names: c.14596C>T, p.Gln4866Ter (NM_133379.5); c.10222+5320C>T (NM_003319.4); c.10798+5320C>T (NM_133437.4); c.10597+5320C>T (NM_133432.3); c.10360+5320C>T (NM_133378.4, NM_001256850.1); short protein forms Q4866*.
Identifiers: ClinVar variation 2651701 (VCV002651701.24), dbSNP rs150662922, ClinGen allele CA349640839.